The following is an entry in ClinVar:

ClinVar aggregate classification (germline): Pathogenic (1 of 4 stars; one submission).

Submission:

Labcorp Genetics (formerly Invitae), Labcorp
Classification: Pathogenic. Last evaluated: 2021-09-25. Review status: criteria provided, single submitter. Criteria: Invitae Variant Classification Sherloc (09022015). Collection method: clinical testing. Allele origin: germline.
Comment: For these reasons, this variant has been classified as Pathogenic. This variant has not been reported in the literature in individuals affected with MED17-related conditions. This variant is not present in population databases (ExAC no frequency). This sequence change creates a premature translational stop signal (p.Ser550Argfs*12) in the MED17 gene. It is expected to result in an absent or disrupted protein product. Loss-of-function variants in MED17 are known to be pathogenic (PMID: 20950787, 26004231, 30345598).

Literature cited by the submitters: PubMed 20950787; PubMed 26004231; PubMed 30345598.

NM_004268.5(MED17):c.1648_1649dup (p.Ser550fs)

Gene: MED17 (mediator complex subunit 17; plus strand). Cytogenetic location: 11q21.
Variant type: Duplication.
Coding change: c.1648_1649dup on transcript NM_004268.5 (MANE Select); coding-DNA positions 1648 to 1649, 2 bases duplicated (AG; older notation c.1648_1649dupAG).
Protein change: p.Ser550fs; shifts the reading frame from serine 550.
Molecular consequence: frameshift variant.
Genome position (GRCh38, 1-based): chr11:93,809,780-93,809,781, AG duplicated; duplicating any 2 consecutive bases within chr11:93,809,779-93,809,781 gives the same sequence; the c. name uses the placement nearest the transcript's 3' end. VCF-style (leftmost placement, unchanged base first): chr11-93809778-T-TGA. GRCh37 (hg19) VCF-style: chr11-93542944-T-TGA.
Other names: short protein forms S550fs.
Identifiers: ClinVar variation 1422917 (VCV001422917.6), dbSNP rs2135723056, ClinGen allele CA2573147803.